The following is an entry in ClinVar:

NM_000562.3(C8A):c.100C>T (p.Pro34Ser)

Gene: C8A (complement C8 alpha chain; plus strand). Cytogenetic location: 1p32.2.
Variant type: single nucleotide variant.
Coding change: c.100C>T on transcript NM_000562.3 (MANE Select); coding-DNA position 100, C replaced by T.
Protein change: p.Pro34Ser; replaces proline 34 with serine.
Molecular consequence: missense variant.
Genome position (GRCh38, 1-based): chr1:56,867,631, C>T. VCF-style: chr1-56867631-C-T. GRCh37 (hg19) VCF-style: chr1-57333304-C-T.
Other names: p.Pro34Ser; c.100C>T (NM_000562.2); short protein forms P34S.
Identifiers: ClinVar variation 1169492 (VCV001169492.14), dbSNP rs143523574, ClinGen allele CA874915.

ClinVar aggregate classification (germline): Benign/Likely benign. Review status: criteria provided, multiple submitters, no conflicts (2 of 4 stars). 5 submissions from 5 submitters: Benign (3); Likely benign (1). 1 of the submissions does not count toward it. Last evaluated 2026-02-02.

Conditions:
C8A-related disorder. Also called: C8A-related condition.

Allele frequency attached by ClinVar (database versions not stated): gnomAD exomes 0.00408 and 0.01769; 1000 Genomes Project 30x 0.01546; ExAC 0.01330; TOPMed 0.01394; ESP Exome Variant Server 0.00115; gnomAD 0.00762 and 0.00777; 1000 Genomes Project 0.01418.
gnomAD v4.1: 7,102 of 1,613,714 alleles (0.44%); highest among the groups gnomAD compares: Admixed American, 11%; 455 homozygotes.

Submissions (5):

Labcorp Genetics (formerly Invitae), Labcorp
Classification: Benign. Last evaluated: 2026-02-02. Review status: criteria provided, single submitter. Criteria: Invitae Variant Classification Sherloc (09022015). Collection method: clinical testing. Allele origin: germline.

Women's Health and Genetics/Laboratory Corporation of America, LabCorp
Classification: Likely benign. Last evaluated: 2026-01-22. Review status: criteria provided, single submitter. Criteria: LabCorp Variant Classification Summary - May 2015. Collection method: clinical testing. Allele origin: germline.

Mayo Clinic Laboratories, Mayo Clinic
Classification: Benign. Last evaluated: 2022-03-09. Review status: criteria provided, single submitter. Criteria: ACMG Guidelines, 2015. Collection method: clinical testing. Allele origin: germline. Observed: 1 variant allele.

Breakthrough Genomics
Classification: Benign. Review status: criteria provided, single submitter. Criteria: ACMG Guidelines, 2015. Collection method: not provided. Allele origin: germline. Inheritance: Autosomal recessive inheritance. Affected: yes.

PreventionGenetics, part of Exact Sciences
Classification: Benign for C8A-related condition. Last evaluated: 2019-05-09. Review status: no assertion criteria provided. Collection method: clinical testing. Allele origin: germline. Not counted in ClinVar's aggregate classification.
Comment: This variant is classified as benign based on ACMG/AMP sequence variant interpretation guidelines (Richards et al. 2015 PMID: 25741868, with internal and published modifications).